The following is an entry in ClinVar:

NM_001365308.1(BMPER):c.1818C>A (p.Thr606=)

Gene: BMPER (BMP binding endothelial regulator; plus strand). Cytogenetic location: 7p14.3.
Variant type: single nucleotide variant.
Coding change: c.1818C>A on transcript NM_001365308.1 (MANE Select); coding-DNA position 1818, C replaced by A.
Protein change: p.Thr606=; no amino-acid change (threonine 606 retained).
Molecular consequence: synonymous variant.
Genome position (GRCh38, 1-based): chr7:34,143,302, C>A. VCF-style: chr7-34143302-C-A. GRCh37 (hg19) VCF-style: chr7-34182914-C-A.
Other names: c.1818C>A, p.Thr606= (NM_133468.5).
Identifiers: ClinVar variation 360116 (VCV000360116.37), dbSNP rs138797097, ClinGen allele CA4215520.

ClinVar aggregate classification (germline): Conflicting classifications of pathogenicity. Review status: criteria provided, conflicting classifications (1 of 4 stars). 4 submissions from 4 submitters: Uncertain significance (1); Benign (1); Likely benign (2). Last evaluated 2026-02-01.

Conditions:
Diaphanospondylodysostosis. Also called: VERTEBRAL OSSIFICATION, DEFECT IN, WITH NEPHROGENIC RESTS. Identifiers: Orphanet 66637, MedGen C1842691, MONDO:0011946, OMIM 608022.

Allele frequency attached by ClinVar (database versions not stated): 1000 Genomes Project 30x 0.00047; 1000 Genomes Project 0.00060; ExAC 0.00082; gnomAD 0.00093 and 0.00094; gnomAD exomes 0.00095 and 0.00196; TOPMed 0.00107; ESP Exome Variant Server 0.00138.
gnomAD v4.1: 2,938 of 1,613,896 alleles (0.18%); highest among the groups gnomAD compares: Non-Finnish European, 0.24%; 2 homozygotes.

Submissions (4):

Labcorp Genetics (formerly Invitae), Labcorp
Classification: Benign. Last evaluated: 2026-02-01. Review status: criteria provided, single submitter. Criteria: Invitae Variant Classification Sherloc (09022015). Collection method: clinical testing. Allele origin: germline.

Blueprint Genetics
Classification: Likely benign. Last evaluated: 2024-09-12. Review status: criteria provided, single submitter. Criteria: ACMG Guidelines, 2015. Collection method: clinical testing. Allele origin: germline.

CeGaT Center for Human Genetics Tuebingen
Classification: Likely benign. Last evaluated: 2022-10-01. Review status: criteria provided, single submitter. Criteria: CeGaT Center For Human Genetics Tuebingen Variant Classification Criteria Version 2. Collection method: clinical testing. Allele origin: germline. Affected: yes. Observed: 1 variant allele.
Comment: BMPER: BP4, BP7

Illumina Laboratory Services, Illumina
Classification: Uncertain significance for Diaphanospondylodysostosis. Last evaluated: 2018-01-12. Review status: criteria provided, single submitter. Criteria: ICSL Variant Classification Criteria 13 December 2019. Collection method: clinical testing. Allele origin: germline.